The following is an entry in ClinVar:

ClinVar aggregate classification (germline): Uncertain significance. Review status: criteria provided, multiple submitters, no conflicts (2 of 4 stars). 3 submissions from 3 submitters: Uncertain significance (3). Last evaluated 2025-01-23.

Conditions:
Hereditary cancer-predisposing syndrome. Also called: Hereditary neoplastic syndrome; Neoplastic Syndromes, Hereditary; Tumor predisposition; Hereditary Cancer Syndrome. Identifiers: Orphanet 140162, MedGen C0027672, MeSH D009386, MONDO:0015356.
Oligodontia-cancer predisposition syndrome. Also called: TOOTH AGENESIS-COLORECTAL CANCER SYNDROME. Identifiers: Orphanet 300576, MedGen C1837750, MONDO:0012075, OMIM 608615. Disease mechanism: loss of function.

Allele frequency attached by ClinVar (database versions not stated): gnomAD exomes below 0.00001.
gnomAD v4.1: 1 of 1,613,844 alleles (0.000062%); highest among the groups gnomAD compares: Non-Finnish European, 0.000085%; no homozygotes.

Submissions (3):

Labcorp Genetics (formerly Invitae), Labcorp
Classification: Uncertain significance for Oligodontia-cancer predisposition syndrome. Last evaluated: 2025-01-23. Review status: criteria provided, single submitter. Criteria: Invitae Variant Classification Sherloc (09022015). Collection method: clinical testing. Allele origin: germline.
Comment: This sequence change replaces histidine, which is basic and polar, with tyrosine, which is neutral and polar, at codon 516 of the AXIN2 protein (p.His516Tyr). This variant is not present in population databases (gnomAD no frequency). This variant has not been reported in the literature in individuals affected with AXIN2-related conditions. ClinVar contains an entry for this variant (Variation ID: 533166). Invitae Evidence Modeling of protein sequence and biophysical properties (such as structural, functional, and spatial information, amino acid conservation, physicochemical variation, residue mobility, and thermodynamic stability) indicates that this missense variant is expected to disrupt AXIN2 protein function with a positive predictive value of 80%. In summary, the available evidence is currently insufficient to determine the role of this variant in disease. Therefore, it has been classified as a Variant of Uncertain Significance.

Ambry Genetics
Classification: Uncertain significance for Hereditary cancer-predisposing syndrome. Last evaluated: 2024-04-22. Review status: criteria provided, single submitter. Criteria: Ambry Variant Classification Scheme 2023. Collection method: clinical testing. Allele origin: germline.
Comment: The p.H516Y variant (also known as c.1546C>T), located in coding exon 5 of the AXIN2 gene, results from a C to T substitution at nucleotide position 1546. The histidine at codon 516 is replaced by tyrosine, an amino acid with similar properties. This amino acid position is well conserved in available vertebrate species; however, tyrosine is the reference amino acid in other vertebrate species. In addition, the in silico prediction for this alteration is inconclusive. Since supporting evidence is limited at this time, the clinical significance of this alteration remains unclear.

GeneDx
Classification: Uncertain significance. Last evaluated: 2020-12-28. Review status: criteria provided, single submitter. Criteria: GeneDx Variant Classification Process June 2021. Collection method: clinical testing. Allele origin: germline. Affected: yes.
Comment: Not observed in large population cohorts (Lek et al., 2016); In silico analysis supports that this missense variant has a deleterious effect on protein structure/function; Has not been previously published as pathogenic or benign to our knowledge

NM_004655.4(AXIN2):c.1546C>T (p.His516Tyr)

Gene: AXIN2 (axin 2; minus strand). Cytogenetic location: 17q24.1.
Variant type: single nucleotide variant.
Coding change: c.1546C>T on transcript NM_004655.4 (MANE Select); coding-DNA position 1546, C replaced by T.
Protein change: p.His516Tyr; replaces histidine 516 with tyrosine.
Molecular consequence: missense variant.
Genome position (GRCh38, 1-based): chr17:65,537,490, G>A on the plus strand (C>T on the coding strand, the complement: AXIN2 is on the minus strand). VCF-style: chr17-65537490-G-A. GRCh37 (hg19) VCF-style: chr17-63533608-G-A.
Other names: c.1546C>T (LRG_296t1); c.1546C>T, p.His516Tyr (NM_001363813.1); short protein forms H516Y.
Identifiers: ClinVar variation 533166 (VCV000533166.13), dbSNP rs1555577714, ClinGen allele CA400677290.